The following is an entry in ClinVar:

NM_004260.4(RECQL4):c.2344G>A (p.Asp782Asn)

Gene: RECQL4 (RecQ like helicase 4; minus strand). Cytogenetic location: 8q24.3.
Variant type: single nucleotide variant.
Coding change: c.2344G>A on transcript NM_004260.4 (MANE Select); coding-DNA position 2344, G replaced by A.
Protein change: p.Asp782Asn; replaces aspartic acid 782 with asparagine.
Molecular consequence: missense variant.
Genome position (GRCh38, 1-based): chr8:144,513,337, C>T on the plus strand (G>A on the coding strand, the complement: RECQL4 is on the minus strand). VCF-style: chr8-144513337-C-T. GRCh37 (hg19) VCF-style: chr8-145738720-C-T.
Other names: short protein forms D782N.
Identifiers: ClinVar variation 406939 (VCV000406939.11), dbSNP rs758319706, ClinGen allele CA4948326.

ClinVar aggregate classification (germline): Uncertain significance. Review status: criteria provided, multiple submitters, no conflicts (2 of 4 stars). 4 submissions from 4 submitters: Uncertain significance (4). Last evaluated 2026-02-20.

Conditions:
Rothmund-Thomson syndrome type 2 (RTS2). Identifiers: Orphanet 221016, MedGen C5203410, MONDO:0016369, OMIM 268400.
Baller-Gerold syndrome (BGS). Also called: CRANIOSYNOSTOSIS WITH RADIAL DEFECTS. Identifiers: Orphanet 1225, MedGen C0265308, MONDO:0009039, OMIM 218600.
Rothmund-Thomson syndrome (RTS). Also called: Poikiloderma Congenitale; Poikiloderma of Rothmund-Thomson. Identifiers: Orphanet 2909, MedGen C0032339, MONDO:0010002.
Rapadilino syndrome. Identifiers: Orphanet 3021, MedGen C1849453, MONDO:0009955, OMIM 266280.

Allele frequency attached by ClinVar (database versions not stated): gnomAD 0.00004 and 0.00005; ExAC 0.00009; gnomAD exomes 0.00009; TOPMed 0.00010.

Submissions (4):

St. Jude Molecular Pathology, St. Jude Children's Research Hospital
Classification: Uncertain significance for Rothmund-Thomson syndrome type 2. Last evaluated: 2026-02-20. Review status: criteria provided, single submitter. Criteria: St. Jude Assertion Criteria 2020. Collection method: clinical testing. Allele origin: germline.
Comment: The RECQL4 c.2344G>A p.(Asp782Asn) missense change has a maximum subpopulation frequ ency of 0.031% in gnomAD v2.1.1. In silico tools predict a deleterious effect of this variant on protein function, but to our knowledge functional studies have not been performed. To our knowledge, this variant has no t been reported in individuals with RECQL4-associated conditions. In summary, the evidence currently available is insufficient to determine the clinical significance of this variant. It has therefore been classified as of uncertain significance.

Labcorp Genetics (formerly Invitae), Labcorp
Classification: Uncertain significance for Baller-Gerold syndrome. Last evaluated: 2025-01-19. Review status: criteria provided, single submitter. Criteria: Invitae Variant Classification Sherloc (09022015). Collection method: clinical testing. Allele origin: germline.
Comment: This sequence change replaces aspartic acid, which is acidic and polar, with asparagine, which is neutral and polar, at codon 782 of the RECQL4 protein (p.Asp782Asn). This variant is present in population databases (rs758319706, gnomAD 0.04%). This variant has not been reported in the literature in individuals affected with RECQL4-related conditions. ClinVar contains an entry for this variant (Variation ID: 406939). Invitae Evidence Modeling of protein sequence and biophysical properties (such as structural, functional, and spatial information, amino acid conservation, physicochemical variation, residue mobility, and thermodynamic stability) indicates that this missense variant is not expected to disrupt RECQL4 protein function with a negative predictive value of 80%. In summary, the available evidence is currently insufficient to determine the role of this variant in disease. Therefore, it has been classified as a Variant of Uncertain Significance.

GeneDx
Classification: Uncertain significance. Last evaluated: 2024-07-23. Review status: criteria provided, single submitter. Criteria: GeneDx Variant Classification Process June 2021. Collection method: clinical testing. Allele origin: germline. Affected: yes.
Comment: In silico analysis supports that this missense variant has a deleterious effect on protein structure/function; Has not been previously published as pathogenic or benign to our knowledge

Fulgent Genetics
Classification: Uncertain significance for Baller-Gerold syndrome; Rapadilino syndrome; Rothmund-Thomson syndrome type 2. Last evaluated: 2018-10-31. Review status: criteria provided, single submitter. Criteria: ACMG Guidelines, 2015. Collection method: clinical testing. Allele origin: unknown.